The following is an entry in ClinVar:

ClinVar aggregate classification (germline): Uncertain significance (1 of 4 stars; one submission).

Conditions:
Hereditary cancer-predisposing syndrome. Also called: Neoplastic Syndromes, Hereditary; Tumor predisposition; Hereditary Cancer Syndrome; Hereditary neoplastic syndrome. Identifiers: Orphanet 140162, MedGen C0027672, MeSH D009386, MONDO:0015356.

Submission:

Ambry Genetics
Classification: Uncertain significance for Hereditary cancer-predisposing syndrome. Last evaluated: 2026-03-18. Review status: criteria provided, single submitter. Criteria: Ambry Variant Classification Scheme 2023. Collection method: clinical testing. Allele origin: germline.
Comment: The p.L234S variant (also known as c.701T>C), located in coding exon 4 of the MSH3 gene, results from a T to C substitution at nucleotide position 701. The leucine at codon 234 is replaced by serine, an amino acid with dissimilar properties. This amino acid position is conserved. In addition, this alteration is predicted to be tolerated by in silico analysis. Based on the available evidence, the clinical significance of this variant remains unclear.

NM_002439.5(MSH3):c.701T>C (p.Leu234Ser)

Gene: MSH3 (mutS homolog 3; plus strand). Cytogenetic location: 5q14.1.
Variant type: single nucleotide variant.
Coding change: c.701T>C on transcript NM_002439.5 (MANE Select); coding-DNA position 701, T replaced by C.
Protein change: p.Leu234Ser; replaces leucine 234 with serine.
Molecular consequence: missense variant.
Genome position (GRCh38, 1-based): chr5:80,670,218, T>C. VCF-style: chr5-80670218-T-C. GRCh37 (hg19) VCF-style: chr5-79966037-T-C.
Other names: short protein forms L234S.
Identifiers: ClinVar variation 4860322 (VCV004860322.1).